The following is an entry in ClinVar:

NM_139318.5(KCNH5):c.2095A>G (p.Ser699Gly)

Gene: KCNH5 (potassium voltage-gated channel subfamily H member 5; minus strand). Cytogenetic location: 14q23.2.
Variant type: single nucleotide variant.
Coding change: c.2095A>G on transcript NM_139318.5 (MANE Select); coding-DNA position 2095, A replaced by G.
Protein change: p.Ser699Gly; replaces serine 699 with glycine.
Molecular consequence: missense variant. On other transcripts: 3 prime UTR variant (1).
Genome position (GRCh38, 1-based): chr14:62,708,380, T>C on the plus strand (A>G on the coding strand, the complement: KCNH5 is on the minus strand). VCF-style: chr14-62708380-T-C. GRCh37 (hg19) VCF-style: chr14-63175098-T-C.
Other names: c.*62A>G (NM_172375.3); short protein forms S699G.
Identifiers: ClinVar variation 569642 (VCV000569642.9), dbSNP rs1360641528, ClinGen allele CA390101358.

ClinVar aggregate classification (germline): Uncertain significance (1 of 4 stars; one submission).

Conditions:
Early-infantile DEE. Also called: Ohtahara syndrome; Early infantile epileptic encephalopathy; Early infantile epileptic encephalopathy with suppression bursts. Identifiers: Orphanet 1934, MedGen C0393706, MONDO:0800491.

Allele frequency attached by ClinVar (database versions not stated): gnomAD exomes below 0.00001.
gnomAD v4.1: 1 of 1,613,676 alleles (0.000062%); highest among the groups gnomAD compares: South Asian, 0.0011%; no homozygotes.

Submission:

Labcorp Genetics (formerly Invitae), Labcorp
Classification: Uncertain significance for Early-infantile DEE. Last evaluated: 2025-08-28. Review status: criteria provided, single submitter. Criteria: Invitae Variant Classification Sherloc (09022015). Collection method: clinical testing. Allele origin: germline.
Comment: This sequence change replaces serine, which is neutral and polar, with glycine, which is neutral and non-polar, at codon 699 of the KCNH5 protein (p.Ser699Gly). This variant is present in population databases (no rsID available, gnomAD 0.003%). This variant has not been reported in the literature in individuals affected with KCNH5-related conditions. ClinVar contains an entry for this variant (Variation ID: 569642). Invitae Evidence Modeling of protein sequence and biophysical properties (such as structural, functional, and spatial information, amino acid conservation, physicochemical variation, residue mobility, and thermodynamic stability) indicates that this missense variant is not expected to disrupt KCNH5 protein function with a negative predictive value of 95%. In summary, the available evidence is currently insufficient to determine the role of this variant in disease. Therefore, it has been classified as a Variant of Uncertain Significance.